The following is an entry in ClinVar:

NM_144508.5(KNL1):c.2162C>A (p.Thr721Lys)

Gene: KNL1 (kinetochore scaffold 1; plus strand). Cytogenetic location: 15q15.1.
Variant type: single nucleotide variant.
Coding change: c.2162C>A on transcript NM_144508.5 (MANE Select); coding-DNA position 2162, C replaced by A.
Protein change: p.Thr721Lys; replaces threonine 721 with lysine.
Molecular consequence: missense variant.
Genome position (GRCh38, 1-based): chr15:40,622,426, C>A. VCF-style: chr15-40622426-C-A. GRCh37 (hg19) VCF-style: chr15-40914624-C-A.
Other names: c.2240C>A, p.Thr747Lys (NM_170589.5); short protein forms T721K, T747K.
Identifiers: ClinVar variation 1027836 (VCV001027836.1), dbSNP rs1242537735, ClinGen allele CA391737738.

ClinVar aggregate classification (germline): Uncertain significance (1 of 4 stars; one submission).

Conditions:
Microcephaly 4, primary, autosomal recessive. Identifiers: Orphanet 2512, MedGen C1858516, MONDO:0011437, OMIM 604321.

gnomAD v4.1: 2 of 1,613,678 alleles (0.00012%); highest among the groups gnomAD compares: African/African-American, 0.0027%; no homozygotes.

Submission:

Baylor Genetics
Classification: Uncertain significance for Microcephaly 4, primary, autosomal recessive. Last evaluated: 2019-10-29. Review status: criteria provided, single submitter. Criteria: ACMG Guidelines, 2015. Collection method: clinical testing. Allele origin: unknown. Affected: yes.
Comment: This variant was determined to be of uncertain significance according to ACMG Guidelines, 2015 [PMID:25741868].